The following is an entry in ClinVar:

NM_001844.5(COL2A1):c.4416G>C (p.Gly1472=)

Gene: COL2A1 (collagen type II alpha 1 chain; minus strand). Cytogenetic location: 12q13.11.
Variant type: single nucleotide variant.
Coding change: c.4416G>C on transcript NM_001844.5 (MANE Select); coding-DNA position 4416, G replaced by C.
Protein change: p.Gly1472=; no amino-acid change (glycine 1472 retained).
Molecular consequence: synonymous variant.
Genome position (GRCh38, 1-based): chr12:47,973,455, C>G on the plus strand (G>C on the coding strand, the complement: COL2A1 is on the minus strand). VCF-style: chr12-47973455-C-G. GRCh37 (hg19) VCF-style: chr12-48367238-C-G.
Other names: c.4209G>C, p.Gly1403= (NM_033150.3).
Identifiers: ClinVar variation 4987010 (VCV004987010.1).

ClinVar aggregate classification (germline): Likely benign (1 of 4 stars; one submission).

Conditions:
COL2A1-related disorder. Also called: COL2A1-related condition; COL2A1-related disorders.

gnomAD v4.1: 18 of 1,614,118 alleles (0.0011%); highest among the groups gnomAD compares: Non-Finnish European, 0.0015%; no homozygotes.

Submission:

PreventionGenetics, part of Exact Sciences
Classification: Likely benign for COL2A1-related condition. Last evaluated: 2026-07-28. Review status: criteria provided, single submitter. Criteria: ACMG Guidelines, 2015. Collection method: clinical testing. Allele origin: germline.
Comment: This variant is classified as likely benign based on ACMG/AMP sequence variant interpretation guidelines (Richards et al. 2015 PMID: 25741868, with internal and published modifications).